The following is an entry in ClinVar:

NM_018451.5(CPAP):c.2462C>T (p.Thr821Met)

Gene: CPAP (centrosome assembly and centriole elongation protein; minus strand). Cytogenetic location: 13q12.13.
Variant type: single nucleotide variant.
Coding change: c.2462C>T on transcript NM_018451.5 (MANE Select); coding-DNA position 2462, C replaced by T.
Protein change: p.Thr821Met; replaces threonine 821 with methionine.
Molecular consequence: missense variant. On other transcripts: non-coding transcript variant (2).
Genome position (GRCh38, 1-based): chr13:24,905,576, G>A on the plus strand (C>T on the coding strand, the complement: CPAP is on the minus strand). VCF-style: chr13-24905576-G-A. GRCh37 (hg19) VCF-style: chr13-25479714-G-A.
Other names: short protein forms T821M.
Identifiers: ClinVar variation 30783 (VCV000030783.39), dbSNP rs144938364, ClinGen allele CA259904.

ClinVar aggregate classification (germline): Conflicting classifications of pathogenicity. Review status: criteria provided, conflicting classifications (1 of 4 stars). 12 submissions from 11 submitters: Uncertain significance (4); Benign (2); Likely benign (4). 2 of the submissions do not count toward it. Last evaluated 2025-10-05.

Conditions:
CENPJ-related disorder. Also called: CENPJ-related condition; CENPJ-related disorders.
Seckel syndrome 4 (SCKL4). Identifiers: Orphanet 808, MedGen C3888212, MONDO:0013358, OMIM 613676.
Seckel syndrome 1 (SCKL1). Also called: MICROCEPHALIC PRIMORDIAL DWARFISM I. Identifiers: Orphanet 808, MedGen C4551474, MONDO:0008869, OMIM 210600.
Microcephaly 6, primary, autosomal recessive. Identifiers: Orphanet 2512, MedGen C1842109, MONDO:0012029, OMIM 608393.

Allele frequency attached by ClinVar (database versions not stated): ESP Exome Variant Server 0.00023; gnomAD exomes 0.00045 and 0.00148; gnomAD 0.00056 and 0.00070; TOPMed 0.00088; ExAC 0.00136; 1000 Genomes Project 30x 0.00156; 1000 Genomes Project 0.00180.
gnomAD v4.1: 768 of 1,614,134 alleles (0.048%); highest among the groups gnomAD compares: East Asian, 1.4%; 4 homozygotes.

Submissions (12):

Labcorp Genetics (formerly Invitae), Labcorp
Classification: Benign. Last evaluated: 2025-10-05. Review status: criteria provided, single submitter. Criteria: Invitae Variant Classification Sherloc (09022015). Collection method: clinical testing. Allele origin: germline.

CeGaT Center for Human Genetics Tuebingen
Classification: Likely benign. Last evaluated: 2025-04-01. Review status: criteria provided, single submitter. Criteria: CeGaT Center For Human Genetics Tuebingen Variant Classification Criteria Version 2. Collection method: clinical testing. Allele origin: germline. Affected: yes. Observed: 1 variant allele.
Comment: CPAP: BP4, BS1

Blueprint Genetics
Classification: Likely benign. Last evaluated: 2024-09-19. Review status: criteria provided, single submitter. Criteria: ACMG Guidelines, 2015. Collection method: clinical testing. Allele origin: germline.

Mendelics
Classification: Benign for Seckel syndrome 1. Last evaluated: 2023-08-22. Review status: criteria provided, single submitter. Criteria: Mendelics Assertion Criteria 2019. Collection method: clinical testing. Allele origin: germline.

GeneDx
Classification: Likely benign. Last evaluated: 2018-01-12. Review status: criteria provided, single submitter. Criteria: GeneDx Variant Classification (06012015). Collection method: clinical testing. Allele origin: germline. Affected: yes.
Comment: This variant is considered likely benign or benign based on one or more of the following criteria: it is a conservative change, it occurs at a poorly conserved position in the protein, it is predicted to be benign by multiple in silico algorithms, and/or has population frequency not consistent with disease.

Illumina Laboratory Services, Illumina
Classification: Uncertain significance for Seckel syndrome 4. Last evaluated: 2017-04-27. Review status: criteria provided, single submitter. Criteria: ICSL Variant Classification Criteria 13 December 2019. Collection method: clinical testing. Allele origin: germline.
Comment: This variant was observed as part of a predisposition screen in an ostensibly healthy population. A literature search was performed for the gene, cDNA change, and amino acid change (where applicable). Publications were found based on this search. However, the evidence from the literature, in combination with allele frequency data from public databases where available, was not sufficient to rule this variant in or out of causing disease. Therefore, this variant is classified as a variant of unknown significance.

Illumina Laboratory Services, Illumina
Classification: Uncertain significance for Microcephaly 6, primary, autosomal recessive. Last evaluated: 2017-04-27. Review status: criteria provided, single submitter. Criteria: ICSL Variant Classification Criteria 13 December 2019. Collection method: clinical testing. Allele origin: germline.
Comment: the same text as in the submission from Illumina Laboratory Services, Illumina above.

Eurofins Ntd Llc (ga)
Classification: Likely benign. Last evaluated: 2017-01-31. Review status: criteria provided, single submitter. Criteria: EGL Classification Definitions 2015. Collection method: clinical testing. Allele origin: germline. Observed: 1 variant allele, 1 heterozygote.

Soonchunhyang University Bucheon Hospital, Soonchunhyang University Medical Center
Classification: Uncertain significance for Microcephaly 6, primary, autosomal recessive. Last evaluated: 2016-03-18. Review status: criteria provided, single submitter. Criteria: ACMG Guidelines, 2015. Collection method: reference population. Allele origin: germline. Observed: 4 variant alleles.

Genetic Services Laboratory, University of Chicago
Classification: Uncertain significance for Microcephaly 6, primary, autosomal recessive. Last evaluated: 2013-02-08. Review status: criteria provided, single submitter. Criteria: ACMG Guidelines, 2007. Collection method: clinical testing. Allele origin: germline. Inheritance: Autosomal recessive inheritance.

PreventionGenetics, part of Exact Sciences
Classification: Likely benign for CENPJ-related condition. Last evaluated: 2023-06-08. Review status: no assertion criteria provided. Collection method: clinical testing. Allele origin: germline. Not counted in ClinVar's aggregate classification.
Comment: This variant is classified as likely benign based on ACMG/AMP sequence variant interpretation guidelines (Richards et al. 2015 PMID: 25741868, with internal and published modifications).

OMIM
Classification: Pathogenic for MICROCEPHALY 6, PRIMARY, AUTOSOMAL RECESSIVE. Last evaluated: 2010-12-01. Review status: no assertion criteria provided. Collection method: literature only. Allele origin: germline. Not counted in ClinVar's aggregate classification.

Literature cited by the submitters: PubMed 20978018 (cited by 3 submitters).